The following is an entry in ClinVar:

GRCh37/hg19 Xp21.1(chrX:32931546-33685657)x3

Gene: DMD (dystrophin; minus strand). Cytogenetic location: Xp21.1.
Variant type: copy number gain.
Change: copy number 3 of chrX:32,931,546-33,685,657 (754.1 kb, GRCh37 coordinates, 1-based), cytogenetic band Xp21.1.
Identifiers: ClinVar variation 4277349 (VCV004277349.1).

ClinVar aggregate classification (germline): Uncertain significance (1 of 4 stars; one submission).

Submission:

Hunan Provincial Maternal and Child Health Care Hospital
Classification: Uncertain significance. Last evaluated: 2024-07-01. Review status: criteria provided, single submitter. Criteria: ACMG/ClinGen CNV Guidelines, 2019. Collection method: clinical testing. Allele origin: unknown. Inheritance: X-linked recessive inheritance. Affected: no.
Comment: This is a copy-number gain on chrX that overlaps DMD. The clinical effect of DMD duplications depends on exact breakpoints, orientation and whether reading frame/fusion transcripts are produced. No definitive pathogenic evidence for this precise duplication was found; under ACMG/ClinGen CNV guidance and given current evidence the variant is Variant of Uncertain Significance (VUS).